The following is an entry in ClinVar:

ClinVar aggregate classification (germline): Likely benign (1 of 4 stars; one submission).

Submission:

CeGaT Center for Human Genetics Tuebingen
Classification: Likely benign. Last evaluated: 2023-12-01. Review status: criteria provided, single submitter. Criteria: CeGaT Center For Human Genetics Tuebingen Variant Classification Criteria Version 2. Collection method: clinical testing. Allele origin: germline. Affected: yes. Observed: 1 variant allele.
Comment: NLRC4: PM2:Supporting, BP4, BP7

NM_001199138.2(NLRC4):c.2457C>G (p.Pro819=)

Gene: NLRC4 (NLR family CARD domain containing 4; minus strand). Cytogenetic location: 2p22.3.
Variant type: single nucleotide variant.
Coding change: c.2457C>G on transcript NM_001199138.2 (MANE Select); coding-DNA position 2457, C replaced by G.
Protein change: p.Pro819=; no amino-acid change (proline 819 retained).
Molecular consequence: synonymous variant.
Genome position (GRCh38, 1-based): chr2:32,238,196, G>C on the plus strand (C>G on the coding strand, the complement: NLRC4 is on the minus strand). VCF-style: chr2-32238196-G-C. GRCh37 (hg19) VCF-style: chr2-32463265-G-C.
Other names: c.2457C>G, p.Pro819= (NM_001199139.2, NM_021209.5); c.462C>G, p.Pro154= (NM_001302504.2).
Identifiers: ClinVar variation 3026653 (VCV003026653.22), dbSNP rs2466726758, ClinGen allele CA425446808.
Genomic context (GRCh38, chr2:32,238,196, plus strand): 5'-GATTTTCACTGCATTTGCAGACAAGCAGCAGGAGACTAATTGAATTTCTTCAAGGTCACA[G>C]GGTTCACTTGACAGAGACTTGACTATGTAATCCATTCCCTCTCCAATGTCAGACAAGTGG-3'
Protein context (NP_001186067.1, residues 809-829): DYIVKSLSSE[Pro819=]CDLEEIQLVS